The following is an entry in ClinVar:

NM_052872.4(IL17F):c.104A>G (p.Lys35Arg)

Gene: IL17F (interleukin 17F; minus strand). Cytogenetic location: 6p12.2.
Variant type: single nucleotide variant.
Coding change: c.104A>G on transcript NM_052872.4 (MANE Select); coding-DNA position 104, A replaced by G.
Protein change: p.Lys35Arg; replaces lysine 35 with arginine.
Molecular consequence: missense variant.
Genome position (GRCh38, 1-based): chr6:52,238,880, T>C on the plus strand (A>G on the coding strand, the complement: IL17F is on the minus strand). VCF-style: chr6-52238880-T-C. GRCh37 (hg19) VCF-style: chr6-52103678-T-C.
Other names: c.104A>G (NM_052872.3); short protein forms K35R.
Identifiers: ClinVar variation 1360600 (VCV001360600.9), dbSNP rs750915214, ClinGen allele CA3854446.

ClinVar aggregate classification (germline): Uncertain significance. Review status: criteria provided, multiple submitters, no conflicts (2 of 4 stars). 2 submissions from 2 submitters: Uncertain significance (2). Last evaluated 2025-05-19.

Conditions:
Candidiasis, familial, 6 (CANDF6). Also called: Candidiasis, familial, 6, autosomal dominant. Identifiers: Orphanet 1334, MedGen C3151405, MONDO:0013503, OMIM 613956.

Allele frequency attached by ClinVar (database versions not stated): gnomAD exomes below 0.00001; ExAC 0.00001; gnomAD 0.00002; TOPMed 0.00002.
gnomAD v4.1: 4 of 1,613,880 alleles (0.00025%); highest among the groups gnomAD compares: African/African-American, 0.004%; no homozygotes.

Submissions (2):

Ambry Genetics
Classification: Uncertain significance. Last evaluated: 2025-05-19. Review status: criteria provided, single submitter. Criteria: Ambry Variant Classification Scheme 2023. Collection method: clinical testing. Allele origin: germline.

Labcorp Genetics (formerly Invitae), Labcorp
Classification: Uncertain significance for Candidiasis, familial, 6. Last evaluated: 2021-03-29. Review status: criteria provided, single submitter. Criteria: Invitae Variant Classification Sherloc (09022015). Collection method: clinical testing. Allele origin: germline.
Comment: This sequence change replaces lysine with arginine at codon 35 of the IL17F protein (p.Lys35Arg). The lysine residue is moderately conserved and there is a small physicochemical difference between lysine and arginine. This variant is present in population databases (rs750915214, ExAC 0.01%). This variant has not been reported in the literature in individuals with IL17F-related conditions. Algorithms developed to predict the effect of missense changes on protein structure and function output the following: SIFT: "Tolerated"; PolyPhen-2: "Benign"; Align-GVGD: "Class C0". The arginine amino acid residue is found in multiple mammalian species, suggesting that this missense change does not adversely affect protein function. These predictions have not been confirmed by published functional studies and their clinical significance is uncertain. In summary, the available evidence is currently insufficient to determine the role of this variant in disease. Therefore, it has been classified as a Variant of Uncertain Significance.